The following is an entry in ClinVar:

ClinVar aggregate classification (germline): Uncertain significance (1 of 4 stars; one submission).

Conditions:
Brugada syndrome. Also called: Sudden Unexplained Death Syndrome; Sudden Unexplained Nocturnal Death Syndrome (SUNDS); Sudden unexpected nocturnal death syndrome; Sudden unexplained nocturnal death syndrome. Identifiers: Orphanet 130, MedGen C1142166, MONDO:0015263.

Submission:

Labcorp Genetics (formerly Invitae), Labcorp
Classification: Uncertain significance for Brugada syndrome. Last evaluated: 2020-05-05. Review status: criteria provided, single submitter. Criteria: Invitae Variant Classification Sherloc (09022015). Collection method: clinical testing. Allele origin: germline.
Comment: This sequence change replaces aspartic acid with alanine at codon 197 of the GPD1L protein (p.Asp197Ala). The aspartic acid residue is highly conserved and there is a moderate physicochemical difference between aspartic acid and alanine. This variant is not present in population databases (ExAC no frequency). This variant has not been reported in the literature in individuals with GPD1L-related disease. Algorithms developed to predict the effect of missense changes on protein structure and function do not agree on the potential impact of this missense change (SIFT: "Tolerated"; PolyPhen-2: "Possibly Damaging"; Align-GVGD: "Class C0"). In summary, the available evidence is currently insufficient to determine the role of this variant in disease. Therefore, it has been classified as a Variant of Uncertain Significance.

NM_015141.4(GPD1L):c.590A>C (p.Asp197Ala)

Gene: GPD1L (glycerol-3-phosphate dehydrogenase 1 like; plus strand). Cytogenetic location: 3p22.3.
Variant type: single nucleotide variant.
Coding change: c.590A>C on transcript NM_015141.4 (MANE Select); coding-DNA position 590, A replaced by C.
Protein change: p.Asp197Ala; replaces aspartic acid 197 with alanine.
Molecular consequence: missense variant.
Genome position (GRCh38, 1-based): chr3:32,146,706, A>C. VCF-style: chr3-32146706-A-C. GRCh37 (hg19) VCF-style: chr3-32188198-A-C.
Other names: short protein forms D197A.
Identifiers: ClinVar variation 1007895 (VCV001007895.5), dbSNP rs1700832089, ClinGen allele CA351967629.